The following is an entry in ClinVar:

NM_001023570.4(IQCB1):c.180A>G (p.Gln60=)

Gene: IQCB1 (IQ motif containing B1; minus strand). Cytogenetic location: 3q13.33.
Variant type: single nucleotide variant.
Coding change: c.180A>G on transcript NM_001023570.4 (MANE Select); coding-DNA position 180, A replaced by G.
Protein change: p.Gln60=; no amino-acid change (glutamine 60 retained).
Molecular consequence: synonymous variant. On other transcripts: non-coding transcript variant (1).
Genome position (GRCh38, 1-based): chr3:121,828,553, T>C on the plus strand (A>G on the coding strand, the complement: IQCB1 is on the minus strand). VCF-style: chr3-121828553-T-C. GRCh37 (hg19) VCF-style: chr3-121547400-T-C.
Other names: c.180A>G, p.Gln60= (NM_001023571.4, NM_001319107.2); c.180A>G (NM_001023570.3).
Identifiers: ClinVar variation 1044207 (VCV001044207.9), dbSNP rs1489496240, ClinGen allele CA435248764.

ClinVar aggregate classification (germline): Likely benign. Review status: criteria provided, multiple submitters, no conflicts (2 of 4 stars). 2 submissions from 2 submitters: Likely benign (2). Last evaluated 2026-03-05.

Conditions:
Nephronophthisis. Also called: Juvenile Nephronophthisis. Identifiers: Orphanet 655, MedGen C0687120, MONDO:0019005, HP:0000090.
IQCB1-related disorder. Also called: IQCB1-related condition.

Allele frequency attached by ClinVar (database versions not stated): gnomAD 0.00001; gnomAD exomes 0.00001; TOPMed 0.00001.
gnomAD v4.1: 6 of 1,608,384 alleles (0.00037%); highest among the groups gnomAD compares: East Asian, 0.0045%; no homozygotes.

Submissions (2):

PreventionGenetics, part of Exact Sciences
Classification: Likely benign for IQCB1-related condition. Last evaluated: 2026-03-05. Review status: criteria provided, single submitter. Criteria: ACMG Guidelines, 2015. Collection method: clinical testing. Allele origin: germline.
Comment: This variant is classified as likely benign based on ACMG/AMP sequence variant interpretation guidelines (Richards et al. 2015 PMID: 25741868, with internal and published modifications).

Labcorp Genetics (formerly Invitae), Labcorp
Classification: Likely benign for Nephronophthisis. Last evaluated: 2022-09-27. Review status: criteria provided, single submitter. Criteria: Invitae Variant Classification Sherloc (09022015). Collection method: clinical testing. Allele origin: germline.